The following is an entry in ClinVar:

NM_000038.6(APC):c.618del (p.Cys207fs)

Gene: APC (APC regulator of Wnt signaling pathway; plus strand). Cytogenetic location: 5q22.2.
Variant type: Deletion.
Coding change: c.618del on transcript NM_000038.6 (MANE Select); coding-DNA position 618, one base deleted (C; older notation c.618delC).
Protein change: p.Cys207fs; shifts the reading frame from cysteine 207.
Molecular consequence: frameshift variant. On other transcripts: 5 prime UTR variant (4), non-coding transcript variant (2).
Genome position (GRCh38, 1-based): chr5:112,780,876, C deleted; the last of 2 consecutive C bases (chr5:112,780,875-112,780,876); deleting either gives the same sequence. VCF-style (leftmost placement, unchanged base first): chr5-112780874-AC-A. GRCh37 (hg19) VCF-style: chr5-112116571-AC-A.
Other names: c.618del, p.Cys207fs (NM_001127510.3, NM_001354895.2, NM_001354896.2 and 16 more transcripts); c.648del, p.Cys217fs (NM_001127511.3, NM_001354897.2, NM_001354902.2 and 1 more transcripts); c.543del, p.Cys182fs (NM_001354898.2, NM_001354904.2, NM_001407451.1); c.441del, p.Cys148fs (NM_001354900.2, NM_001354901.2, NM_001354905.2 and 1 more transcripts); c.-418del (NM_001354906.2, NM_001407470.1, NM_001407471.1 and 1 more transcripts); short protein forms C148fs, C182fs, C207fs, C217fs.
Identifiers: ClinVar variation 2583883 (VCV002583883.1), dbSNP rs2532489576, ClinGen allele CA2582341601.

ClinVar aggregate classification (germline): Pathogenic (1 of 4 stars; one submission).

Conditions:
Familial adenomatous polyposis 1 (FAP1). Also called: FAMILIAL ADENOMATOUS POLYPOSIS 1, ATTENUATED; POLYPOSIS, ADENOMATOUS INTESTINAL. Identifiers: MedGen C2713442, MONDO:0021056, OMIM 175100. Disease mechanism: loss of function.

Submission:

Myriad Genetics, Inc.
Classification: Pathogenic for Familial adenomatous polyposis 1. Last evaluated: 2023-04-27. Review status: criteria provided, single submitter. Criteria: Myriad Autosomal Dominant, Autosomal Recessive and X-Linked Classification Criteria (2023). Collection method: clinical testing. Allele origin: unknown.
Comment: This variant is considered pathogenic. This variant creates a frameshift predicted to result in premature protein truncation.